The following is an entry in ClinVar:

NM_000256.3(MYBPC3):c.1061G>C (p.Gly354Ala)

Gene: MYBPC3 (myosin binding protein C3; minus strand). Cytogenetic location: 11p11.2.
Variant type: single nucleotide variant.
Coding change: c.1061G>C on transcript NM_000256.3 (MANE Select); coding-DNA position 1061, G replaced by C.
Protein change: p.Gly354Ala; replaces glycine 354 with alanine.
Molecular consequence: missense variant.
Genome position (GRCh38, 1-based): chr11:47,346,236, C>G on the plus strand (G>C on the coding strand, the complement: MYBPC3 is on the minus strand). VCF-style: chr11-47346236-C-G. GRCh37 (hg19) VCF-style: chr11-47367787-C-G.
Other names: short protein forms G354A.
Identifiers: ClinVar variation 4798512 (VCV004798512.1).

ClinVar aggregate classification (germline): Uncertain significance (1 of 4 stars; one submission).

Conditions:
Hypertrophic cardiomyopathy. Also called: HYPERTROPHIC MYOCARDIOPATHY. Identifiers: Orphanet 217569, MedGen C0007194, MeSH D002312, MONDO:0005045, HP:0001639.

gnomAD v4.1: 1 of 1,613,954 alleles (0.000062%); highest among the groups gnomAD compares: East Asian, 0.0022%; no homozygotes.

Submission:

Labcorp Genetics (formerly Invitae), Labcorp
Classification: Uncertain significance for Hypertrophic cardiomyopathy. Last evaluated: 2026-02-01. Review status: criteria provided, single submitter. Criteria: Invitae Variant Classification Sherloc (09022015). Collection method: clinical testing. Allele origin: germline.
Comment: This sequence change replaces glycine, which is neutral and non-polar, with alanine, which is neutral and non-polar, at codon 354 of the MYBPC3 protein (p.Gly354Ala). This variant is present in population databases (no rsID available, gnomAD 0.01%). This variant has not been reported in the literature in individuals affected with MYBPC3-related conditions. An algorithm developed to predict the effect of missense changes on protein structure and function (PolyPhen-2) suggests that this variant is likely to be disruptive. In summary, the available evidence is currently insufficient to determine the role of this variant in disease. Therefore, it has been classified as a Variant of Uncertain Significance.